The following is an entry in ClinVar:

ClinVar aggregate classification (germline): Uncertain significance. Review status: criteria provided, single submitter (1 of 4 stars). 2 submissions from 2 submitters: Uncertain significance (1). 1 of the submissions does not count toward it. Last evaluated 2024-08-06.

Conditions:
Autosomal recessive congenital ichthyosis 3 (ARCI3). Also called: ICHTHYOSIS, LAMELLAR, 5. Identifiers: MedGen C3539888, MONDO:0011680, OMIM 606545.

Allele frequency attached by ClinVar (database versions not stated): gnomAD exomes below 0.00001; ExAC 0.00001.
gnomAD v4.1: 3 of 1,614,136 alleles (0.00019%); highest among the groups gnomAD compares: Non-Finnish European, 0.00025%; no homozygotes.

Submissions (2):

Women's Health and Genetics/Laboratory Corporation of America, LabCorp
Classification: Uncertain significance. Last evaluated: 2024-08-06. Review status: criteria provided, single submitter. Criteria: LabCorp Variant Classification Summary - May 2015. Collection method: clinical testing. Allele origin: germline.
Comment: Variant summary: ALOXE3 c.1202T>A (p.Leu401Gln) results in a non-conservative amino acid change located in the Lipoxygenase, C-terminal domain (IPR013819) of the encoded protein sequence. Three of five in-silico tools predict a benign effect of the variant on protein function. The variant allele was found at a frequency of 4e-06 in 251226 control chromosomes (gnomAD). The available data on variant occurrences in the general population are insufficient to allow any conclusion about variant significance. c.1202T>A has been reported in the literature in individuals affected with erythroderma (Hotz_2021). These data do not allow any conclusion about variant significance. To our knowledge, no experimental evidence demonstrating an impact on protein function has been reported. The following publication have been ascertained in the context of this evaluation (PMID: 33435499). ClinVar contains an entry for this variant (Variation ID: 995473). Based on the evidence outlined above, the variant was classified as uncertain significance.

Institute for Human Genetics, University Medical Center Freiburg
Classification: Pathogenic for Autosomal recessive congenital ichthyosis 3. Last evaluated: 2021-01-07. Review status: no assertion criteria provided. Collection method: clinical testing. Allele origin: unknown. Affected: yes. Not counted in ClinVar's aggregate classification.

Literature cited by the submitters: PubMed 33435499 (cited by Women's Health and Genetics/Laboratory Corporation of America, LabCorp).

NM_021628.3(ALOXE3):c.1202T>A (p.Leu401Gln)

Genes: ALOXE3 (arachidonate epidermal lipoxygenase 3; minus strand), LOC130060198 (ATAC-STARR-seq lymphoblastoid silent region 8151; plus strand). Cytogenetic location: 17p13.1.
Variant type: single nucleotide variant.
Coding change: c.1202T>A on transcript NM_021628.3 (MANE Select); coding-DNA position 1202, T replaced by A.
Protein change: p.Leu401Gln; replaces leucine 401 with glutamine.
Molecular consequence: missense variant.
Genome position (GRCh38, 1-based): chr17:8,110,195, A>T on the plus strand (T>A on the coding strand, the complement: ALOXE3 is on the minus strand). VCF-style: chr17-8110195-A-T. GRCh37 (hg19) VCF-style: chr17-8013513-A-T.
Other names: c.1598T>A, p.Leu533Gln (NM_001165960.1); c.1199T>A, p.Leu400Gln (NM_001369446.1); short protein forms L400Q, L401Q, L533Q.
Identifiers: ClinVar variation 995473 (VCV000995473.3), dbSNP rs761241768, ClinGen allele CA8368159.
Genomic context (GRCh38, chr17:8,110,195, plus strand): 5'-ATGGCGAAGGCCTCGCACAGCAAATGCGTGCACAGAAAGTGCGTGTTGTTTTCGTGCACC[A>T]GGAACTCAGAGTTGCGCACCCACGTCTTGGCCAGCAGCCAGTCCCATTCGGAGTCAGTGG-3'
Protein context (NP_067641.2, residues 391-411): AKTWVRNSEF[Leu401Gln]VHENNTHFLC